The following is an entry in ClinVar:

NC_000022.10:g.(?_32297708)_(32302483_?)dup

Gene: DEPDC5 (DEP domain containing 5, GATOR1 subcomplex subunit; plus strand). Cytogenetic location: 22q12.3.
Variant type: Duplication.
Identifiers: ClinVar variation 1373801 (VCV001373801.5).

ClinVar aggregate classification (germline): Uncertain significance (1 of 4 stars; one submission).

Conditions:
Familial focal epilepsy with variable foci (FPEVF). Identifiers: Orphanet 98820, MedGen C1858477, MONDO:0020310.

Submission:

Labcorp Genetics (formerly Invitae), Labcorp
Classification: Uncertain significance for Familial focal epilepsy with variable foci. Last evaluated: 2022-10-18. Review status: criteria provided, single submitter. Criteria: Invitae Variant Classification Sherloc (09022015). Collection method: clinical testing. Allele origin: germline.
Comment: In summary, the available evidence is currently insufficient to determine the role of this variant in disease. Therefore, it has been classified as a Variant of Uncertain Significance. Experimental studies and prediction algorithms are not available or were not evaluated, and the functional significance of this variant is currently unknown. This variant has not been reported in the literature in individuals affected with DEPDC5-related conditions. This variant results in a copy number gain of the genomic region encompassing exon(s) 41-43 of the DEPDC5 gene. This region includes the termination codon of the gene. This copy number gain extends beyond the assayed region for this gene and therefore may encompass additional genes. As the precise location of this event is unknown, it may be in tandem or it may be located elsewhere in the genome.